The following is an entry in ClinVar:

ClinVar aggregate classification (germline): Uncertain significance (1 of 4 stars; one submission).

Submission:

GeneDx
Classification: Uncertain significance. Last evaluated: 2024-04-06. Review status: criteria provided, single submitter. Criteria: GeneDx Variant Classification Process June 2021. Collection method: clinical testing. Allele origin: germline. Affected: yes.
Comment: Not observed at significant frequency in large population cohorts (gnomAD); In silico analysis indicates that this missense variant does not alter protein structure/function; Has not been previously published as pathogenic or benign to our knowledge

NM_173494.2(DNAAF6):c.499C>A (p.Leu167Ile)

Gene: DNAAF6 (dynein axonemal assembly factor 6; plus strand). Cytogenetic location: Xq22.3.
Variant type: single nucleotide variant.
Coding change: c.499C>A on transcript NM_173494.2 (MANE Select); coding-DNA position 499, C replaced by A.
Protein change: p.Leu167Ile; replaces leucine 167 with isoleucine.
Molecular consequence: missense variant.
Genome position (GRCh38, 1-based): chrX:107,238,991, C>A. VCF-style: chrX-107238991-C-A. GRCh37 (hg19) VCF-style: chrX-106482221-C-A.
Other names: c.499C>A, p.Leu167Ile (NM_001169154.2); short protein forms L167I.
Identifiers: ClinVar variation 3372236 (VCV003372236.1).